The following is an entry in ClinVar:

ClinVar aggregate classification (germline): Uncertain significance (1 of 4 stars; one submission).

Conditions:
Choanal atresia-athelia-hypothyroidism-delayed puberty-short stature syndrome (BCAHH). Also called: BRANCHIAL ARCH ABNORMALITIES, CHOANAL ATRESIA, ATHELIA, HEARING LOSS, AND HYPOTHYROIDISM SYNDROME. Identifiers: Orphanet 589856, MedGen C5680310, MONDO:0035651, OMIM 620186.

gnomAD v4.1: 1 of 1,614,018 alleles (0.000062%); highest among the groups gnomAD compares: South Asian, 0.0011%; no homozygotes.

Submission:

Neuberg Centre For Genomic Medicine, NCGM
Classification: Uncertain significance for Choanal atresia-athelia-hypothyroidism-delayed puberty-short stature syndrome. Review status: criteria provided, single submitter. Criteria: ACMG Guidelines, 2015. Collection method: clinical testing. Allele origin: germline. Inheritance: Autosomal dominant inheritance. Affected: yes.
Comment: The observed missense c.15062G>T (p.Arg5021Leu) variant in KMT2D gene has not been reported previously as a pathogenic variant nor as a benign variant, to our knowledge. The p.Arg5021Leu variant is absent in gnomAD Exomes. This variant has not been submitted to the ClinVar database. Multiple lines of computational evidence (Polyphen - Probably Damaging, SIFT - Damaging and MutationTaster - Disease causing) predict a damaging effect on protein structure and function for this variant. The reference amino acid of p.Arg5021Leu in KMT2D is predicted as conserved by GERP++ and PhyloP across 100 vertebrates. The amino acid Arg at position 5021 is changed to a Leu changing protein sequence and it might alter its composition and physico-chemical properties. For these reasons, this variant has been classified as a Variant of Uncertain Significance (VUS).

NM_003482.4(KMT2D):c.15062G>T (p.Arg5021Leu)

Gene: KMT2D (lysine methyltransferase 2D; minus strand). Cytogenetic location: 12q13.12.
Variant type: single nucleotide variant.
Coding change: c.15062G>T on transcript NM_003482.4 (MANE Select); coding-DNA position 15062, G replaced by T.
Protein change: p.Arg5021Leu; replaces arginine 5021 with leucine.
Molecular consequence: missense variant.
Genome position (GRCh38, 1-based): chr12:49,026,904, C>A on the plus strand (G>T on the coding strand, the complement: KMT2D is on the minus strand). VCF-style: chr12-49026904-C-A. GRCh37 (hg19) VCF-style: chr12-49420687-C-A.
Other names: short protein forms R5021L.
Identifiers: ClinVar variation 3362838 (VCV003362838.3).